The following is an entry in ClinVar:

NM_014845.6(FIG4):c.2296C>G (p.Arg766Gly)

Gene: FIG4 (FIG4 phosphoinositide 5-phosphatase; plus strand). Cytogenetic location: 6q21.
Variant type: single nucleotide variant.
Coding change: c.2296C>G on transcript NM_014845.6 (MANE Select); coding-DNA position 2296, C replaced by G.
Protein change: p.Arg766Gly; replaces arginine 766 with glycine.
Molecular consequence: missense variant.
Genome position (GRCh38, 1-based): chr6:109,791,491, C>G. VCF-style: chr6-109791491-C-G. GRCh37 (hg19) VCF-style: chr6-110112694-C-G.
Other names: short protein forms R766G.
Identifiers: ClinVar variation 1056098 (VCV001056098.9), dbSNP rs552937585, ClinGen allele CA365216520.

ClinVar aggregate classification (germline): Uncertain significance (1 of 4 stars; one submission).

Conditions:
Charcot-Marie-Tooth disease type 4. Also called: Charcot-Marie-Tooth disease, type IV; Charcot-Marie-Tooth, Type 4. Identifiers: Orphanet 64749, MedGen C4082197, MONDO:0018995.

gnomAD v4.1: 8 of 1,614,014 alleles (0.0005%); highest among the groups gnomAD compares: Non-Finnish European, 0.00059%; no homozygotes.

Submission:

Labcorp Genetics (formerly Invitae), Labcorp
Classification: Uncertain significance for Charcot-Marie-Tooth disease type 4. Last evaluated: 2020-02-12. Review status: criteria provided, single submitter. Criteria: Invitae Variant Classification Sherloc (09022015). Collection method: clinical testing. Allele origin: germline.
Comment: This variant is not present in population databases (ExAC no frequency). In summary, the available evidence is currently insufficient to determine the role of this variant in disease. Therefore, it has been classified as a Variant of Uncertain Significance. Algorithms developed to predict the effect of missense changes on protein structure and function (SIFT, PolyPhen-2, Align-GVGD) all suggest that this variant is likely to be tolerated, but these predictions have not been confirmed by published functional studies and their clinical significance is uncertain. This variant has not been reported in the literature in individuals with FIG4-related conditions. This sequence change replaces arginine with glycine at codon 766 of the FIG4 protein (p.Arg766Gly). The arginine residue is moderately conserved and there is a moderate physicochemical difference between arginine and glycine.